The following is an entry in ClinVar:

NM_000166.6(GJB1):c.669C>G (p.Arg223=)

Gene: GJB1 (gap junction protein beta 1; plus strand). Cytogenetic location: Xq13.1.
Variant type: single nucleotide variant.
Coding change: c.669C>G on transcript NM_000166.6 (MANE Select); coding-DNA position 669, C replaced by G.
Protein change: p.Arg223=; no amino-acid change (arginine 223 retained).
Molecular consequence: synonymous variant.
Genome position (GRCh38, 1-based): chrX:71,224,376, C>G. VCF-style: chrX-71224376-C-G. GRCh37 (hg19) VCF-style: chrX-70444226-C-G.
Other names: c.669C>G, p.Arg223= (NM_001097642.3, NM_001440770.1).
Identifiers: ClinVar variation 4873786 (VCV004873786.2).

ClinVar aggregate classification (germline): Likely benign (1 of 4 stars; one submission).

Submission:

CeGaT Center for Human Genetics Tuebingen
Classification: Likely benign. Last evaluated: 2026-06-01. Review status: criteria provided, single submitter. Criteria: CeGaT Center For Human Genetics Tuebingen Variant Classification Criteria Version 2. Collection method: clinical testing. Allele origin: germline. Affected: yes. Observed: 1 variant allele.
Comment: GJB1: PM2:Supporting, BP4, BP7